The following is an entry in ClinVar:

ClinVar aggregate classification (germline): Benign. Review status: criteria provided, multiple submitters, no conflicts (2 of 4 stars). 2 submissions from 2 submitters: Benign (2). Last evaluated 2018-06-13.

Allele frequency attached by ClinVar (database versions not stated): 1000 Genomes Project 30x 0.11852; 1000 Genomes Project 0.12200; TOPMed 0.12538; gnomAD 0.13049 and 0.13341; gnomAD exomes 0.17467.
gnomAD v4.1: 223,873 of 1,321,888 alleles (17%); highest among the groups gnomAD compares: East Asian, 22%; 20,313 homozygotes.

Submissions (2):

GeneDx
Classification: Benign. Last evaluated: 2018-06-13. Review status: criteria provided, single submitter. Criteria: GeneDx Variant Classification (06012015). Collection method: clinical testing. Allele origin: germline. Affected: yes.
Comment: This variant is considered likely benign or benign based on one or more of the following criteria: it is a conservative change, it occurs at a poorly conserved position in the protein, it is predicted to be benign by multiple in silico algorithms, and/or has population frequency not consistent with disease.

Breakthrough Genomics
Classification: Benign. Review status: criteria provided, single submitter. Criteria: ACMG Guidelines, 2015. Collection method: not provided. Allele origin: germline. Inheritance: Autosomal dominant inheritance. Affected: yes.

NM_001145809.2(MYH14):c.2232+86T>C

Gene: MYH14 (myosin heavy chain 14; plus strand). Cytogenetic location: 19q13.33.
Variant type: single nucleotide variant.
Coding change: c.2232+86T>C on transcript NM_001145809.2 (MANE Select); 86 bases into the intron after coding-DNA position 2232, T replaced by C.
Molecular consequence: intron variant.
Genome position (GRCh38, 1-based): chr19:50,257,572, T>C. VCF-style: chr19-50257572-T-C. GRCh37 (hg19) VCF-style: chr19-50760829-T-C.
Other names: c.2133+86T>C (NM_001077186.2); c.2109+86T>C (NM_024729.4).
Identifiers: ClinVar variation 684087 (VCV000684087.2), dbSNP rs73068986, ClinGen allele CA14722888.